The following is an entry in ClinVar:

ClinVar aggregate classification (germline): Uncertain significance (1 of 4 stars; one submission).

Allele frequency attached by ClinVar (database versions not stated): gnomAD exomes below 0.00001.
gnomAD v4.1: 1 of 1,614,170 alleles (0.000062%); highest among the groups gnomAD compares: Non-Finnish European, 0.000085%; no homozygotes.

Submission:

Labcorp Genetics (formerly Invitae), Labcorp
Classification: Uncertain significance. Last evaluated: 2025-03-17. Review status: criteria provided, single submitter. Criteria: Invitae Variant Classification Sherloc (09022015). Collection method: clinical testing. Allele origin: germline.
Comment: This sequence change replaces glutamine, which is neutral and polar, with proline, which is neutral and non-polar, at codon 580 of the MTTP protein (p.Gln580Pro). This variant is not present in population databases (gnomAD no frequency). This variant has not been reported in the literature in individuals affected with MTTP-related conditions. ClinVar contains an entry for this variant (Variation ID: 1467846). Invitae Evidence Modeling of protein sequence and biophysical properties (such as structural, functional, and spatial information, amino acid conservation, physicochemical variation, residue mobility, and thermodynamic stability) indicates that this missense variant is expected to disrupt MTTP protein function with a positive predictive value of 80%. In summary, the available evidence is currently insufficient to determine the role of this variant in disease. Therefore, it has been classified as a Variant of Uncertain Significance.

NM_001386140.1(MTTP):c.1739A>C (p.Gln580Pro)

Gene: MTTP (microsomal triglyceride transfer protein; plus strand). Cytogenetic location: 4q23.
Variant type: single nucleotide variant.
Coding change: c.1739A>C on transcript NM_001386140.1 (MANE Select); coding-DNA position 1739, A replaced by C.
Protein change: p.Gln580Pro; replaces glutamine 580 with proline.
Molecular consequence: missense variant.
Genome position (GRCh38, 1-based): chr4:99,608,947, A>C. VCF-style: chr4-99608947-A-C. GRCh37 (hg19) VCF-style: chr4-100530104-A-C.
Other names: c.1739A>C, p.Gln580Pro (NM_000253.4); c.1490A>C, p.Gln497Pro (NM_001300785.2); short protein forms Q497P, Q580P.
Identifiers: ClinVar variation 1467846 (VCV001467846.6), dbSNP rs759774267, ClinGen allele CA357513408.
Genomic context (GRCh38, chr4:99,608,947, plus strand): 5'-TCCTGCTGTCTATTGGGGAGCTTCCCCAAGAAATGAATAAATACATGCTCGCCATTGTTC[A>C]AGACATCCTACGTTTTGAAATGCCTGCAAGGTATAATACATTGCACATGTCTCTCTGTGT-3'
Protein context (NP_001373069.1, residues 570-590): EMNKYMLAIV[Gln580Pro]DILRFEMPAS